The following is an entry in ClinVar:

NM_032444.4(SLX4):c.1655C>T (p.Pro552Leu)

Gene: SLX4 (SLX4 structure-specific endonuclease subunit; minus strand). Cytogenetic location: 16p13.3.
Variant type: single nucleotide variant.
Coding change: c.1655C>T on transcript NM_032444.4 (MANE Select); coding-DNA position 1655, C replaced by T.
Protein change: p.Pro552Leu; replaces proline 552 with leucine.
Molecular consequence: missense variant.
Genome position (GRCh38, 1-based): chr16:3,597,407, G>A on the plus strand (C>T on the coding strand, the complement: SLX4 is on the minus strand). VCF-style: chr16-3597407-G-A. GRCh37 (hg19) VCF-style: chr16-3647408-G-A.
Other names: short protein forms P552L.
Identifiers: ClinVar variation 2961242 (VCV002961242.3), dbSNP rs1285040469, ClinGen allele CA394528617.

ClinVar aggregate classification (germline): Uncertain significance (1 of 4 stars; one submission).

Conditions:
Fanconi anemia (FA). Also called: Fanconi's anemia. Identifiers: Orphanet 84, MedGen C0015625, MeSH D005199, MONDO:0019391.

Allele frequency attached by ClinVar (database versions not stated): gnomAD exomes below 0.00001.

Submission:

Labcorp Genetics (formerly Invitae), Labcorp
Classification: Uncertain significance for Fanconi anemia. Last evaluated: 2025-11-03. Review status: criteria provided, single submitter. Criteria: Invitae Variant Classification Sherloc (09022015). Collection method: clinical testing. Allele origin: germline.
Comment: This sequence change replaces proline, which is neutral and non-polar, with leucine, which is neutral and non-polar, at codon 552 of the SLX4 protein (p.Pro552Leu). The frequency data for this variant in the population databases is considered unreliable, as metrics indicate poor data quality at this position in the gnomAD database. This variant has not been reported in the literature in individuals affected with SLX4-related conditions. ClinVar contains an entry for this variant (Variation ID: 2961242). An algorithm developed to predict the effect of missense changes on protein structure and function (PolyPhen-2) suggests that this variant is likely to be disruptive. In summary, the available evidence is currently insufficient to determine the role of this variant in disease. Therefore, it has been classified as a Variant of Uncertain Significance.